The following is an entry in ClinVar:

NM_004815.4(ARHGAP29):c.2067A>T (p.Lys689Asn)

Gene: ARHGAP29 (Rho GTPase activating protein 29; minus strand). Cytogenetic location: 1p22.1.
Variant type: single nucleotide variant.
Coding change: c.2067A>T on transcript NM_004815.4 (MANE Select); coding-DNA position 2067, A replaced by T.
Protein change: p.Lys689Asn; replaces lysine 689 with asparagine.
Molecular consequence: missense variant.
Genome position (GRCh38, 1-based): chr1:94,184,914, T>A on the plus strand (A>T on the coding strand, the complement: ARHGAP29 is on the minus strand). VCF-style: chr1-94184914-T-A. GRCh37 (hg19) VCF-style: chr1-94650470-T-A.
Other names: c.2067A>T, p.Lys689Asn (NM_001328664.2); c.1875A>T, p.Lys625Asn (NM_001328665.2, NM_001328667.2); c.2040A>T, p.Lys680Asn (NM_001328666.2); short protein forms K625N, K680N, K689N.
Identifiers: ClinVar variation 4086629 (VCV004086629.1).

ClinVar aggregate classification (germline): Uncertain significance (1 of 4 stars; one submission).

Submission:

GeneDx
Classification: Uncertain significance. Last evaluated: 2025-03-14. Review status: criteria provided, single submitter. Criteria: GeneDx Variant Classification Process June 2021. Collection method: clinical testing. Allele origin: germline. Affected: yes.
Comment: Not observed at significant frequency in large population cohorts (gnomAD); In silico analysis supports that this missense variant has a deleterious effect on protein structure/function; Has not been previously published as pathogenic or benign to our knowledge